The following is an entry in ClinVar:

ClinVar aggregate classification (germline): Uncertain significance. Review status: criteria provided, multiple submitters, no conflicts (2 of 4 stars). 2 submissions from 2 submitters: Uncertain significance (2). Last evaluated 2025-12-04.

Conditions:
Dystonic disorder. Also called: Dystonia. Identifiers: MedGen C0013421, MONDO:0003441, HP:0001332.
Inborn genetic diseases. Identifiers: MedGen C0950123, MeSH D030342.

Allele frequency attached by ClinVar (database versions not stated): TOPMed below 0.00001; gnomAD 0.00001; gnomAD exomes 0.00001.
gnomAD v4.1: 16 of 1,598,578 alleles (0.001%); highest among the groups gnomAD compares: African/African-American, 0.0013%; no homozygotes.

Submissions (2):

Ambry Genetics
Classification: Uncertain significance for Inborn genetic diseases. Last evaluated: 2025-12-04. Review status: criteria provided, single submitter. Criteria: Ambry Variant Classification Scheme 2023. Collection method: clinical testing. Allele origin: germline.

Labcorp Genetics (formerly Invitae), Labcorp
Classification: Uncertain significance for Dystonic disorder. Last evaluated: 2023-10-28. Review status: criteria provided, single submitter. Criteria: Invitae Variant Classification Sherloc (09022015). Collection method: clinical testing. Allele origin: germline.
Comment: This sequence change replaces threonine, which is neutral and polar, with alanine, which is neutral and non-polar, at codon 120 of the ANO3 protein (p.Thr120Ala). This variant is present in population databases (no rsID available, gnomAD 0.003%). This variant has not been reported in the literature in individuals affected with ANO3-related conditions. ClinVar contains an entry for this variant (Variation ID: 1430350). Advanced modeling of protein sequence and biophysical properties (such as structural, functional, and spatial information, amino acid conservation, physicochemical variation, residue mobility, and thermodynamic stability) performed at Invitae indicates that this missense variant is not expected to disrupt ANO3 protein function with a negative predictive value of 95%. In summary, the available evidence is currently insufficient to determine the role of this variant in disease. Therefore, it has been classified as a Variant of Uncertain Significance.

NM_031418.4(ANO3):c.358A>G (p.Thr120Ala)

Gene: ANO3 (anoctamin 3; plus strand). Cytogenetic location: 11p14.2.
Variant type: single nucleotide variant.
Coding change: c.358A>G on transcript NM_031418.4 (MANE Select); coding-DNA position 358, A replaced by G.
Protein change: p.Thr120Ala; replaces threonine 120 with alanine.
Molecular consequence: missense variant.
Genome position (GRCh38, 1-based): chr11:26,463,074, A>G. VCF-style: chr11-26463074-A-G. GRCh37 (hg19) VCF-style: chr11-26484621-A-G.
Other names: c.358A>G (NM_031418.2); c.541A>G, p.Thr181Ala (NM_001313726.2); short protein forms T120A, T181A.
Identifiers: ClinVar variation 1430350 (VCV001430350.7), dbSNP rs1009310778, ClinGen allele CA219766074.